The following is an entry in ClinVar:

ClinVar aggregate classification (germline): Uncertain significance (1 of 4 stars; one submission).

Conditions:
PLXNA2-related disorder. Also called: PLXNA2-related condition.

gnomAD v4.1: 19 of 1,614,150 alleles (0.0012%); highest among the groups gnomAD compares: Non-Finnish European, 0.0016%; no homozygotes.

Submission:

PreventionGenetics, part of Exact Sciences
Classification: Uncertain significance for PLXNA2-related condition. Last evaluated: 2025-04-29. Review status: criteria provided, single submitter. Criteria: ACMG Guidelines, 2015. Collection method: clinical testing. Allele origin: germline.
Comment: The PLXNA2 c.3608C>G variant is predicted to result in the amino acid substitution p.Pro1203Arg. To our knowledge, this variant has not been reported in the literature. This variant is reported in 0.00088% of alleles in individuals of European (Non-Finnish) descent in gnomAD. At this time, the clinical significance of this variant is uncertain due to the absence of conclusive functional and genetic evidence.

NM_025179.4(PLXNA2):c.3608C>G (p.Pro1203Arg)

Gene: PLXNA2 (plexin A2; minus strand). Cytogenetic location: 1q32.2.
Variant type: single nucleotide variant.
Coding change: c.3608C>G on transcript NM_025179.4 (MANE Select); coding-DNA position 3608, C replaced by G.
Protein change: p.Pro1203Arg; replaces proline 1203 with arginine.
Molecular consequence: missense variant.
Genome position (GRCh38, 1-based): chr1:208,045,098, G>C on the plus strand (C>G on the coding strand, the complement: PLXNA2 is on the minus strand). VCF-style: chr1-208045098-G-C. GRCh37 (hg19) VCF-style: chr1-208218443-G-C.
Other names: short protein forms P1203R.
Identifiers: ClinVar variation 4981410 (VCV004981410.1).